The following is an entry in ClinVar:

NM_000755.5(CRAT):c.1843C>T (p.Arg615Cys)

Gene: CRAT (carnitine O-acetyltransferase; minus strand). Cytogenetic location: 9q34.11.
Variant type: single nucleotide variant.
Coding change: c.1843C>T on transcript NM_000755.5 (MANE Select); coding-DNA position 1843, C replaced by T.
Protein change: p.Arg615Cys; replaces arginine 615 with cysteine.
Molecular consequence: missense variant.
Genome position (GRCh38, 1-based): chr9:129,095,435, G>A on the plus strand (C>T on the coding strand, the complement: CRAT is on the minus strand). VCF-style: chr9-129095435-G-A. GRCh37 (hg19) VCF-style: chr9-131857714-G-A.
Other names: c.1843C>T (NM_000755.3); c.1780C>T, p.Arg594Cys (NM_001257363.3, NM_004003.4); c.1846C>T, p.Arg616Cys (NM_001346546.2); c.1771C>T, p.Arg591Cys (NM_001346547.2); c.1708C>T, p.Arg570Cys (NM_001346548.2); c.1723C>T, p.Arg575Cys (NM_001346549.2); short protein forms R594C, R570C, R575C, R591C, R615C, R616C.
Identifiers: ClinVar variation 2053331 (VCV002053331.5), dbSNP rs143822726, ClinGen allele CA5275230.

ClinVar aggregate classification (germline): Uncertain significance. Review status: criteria provided, multiple submitters, no conflicts (2 of 4 stars). 2 submissions from 2 submitters: Uncertain significance (2). Last evaluated 2026-01-27.

Allele frequency attached by ClinVar (database versions not stated): ExAC 0.00003; gnomAD 0.00003; ESP Exome Variant Server 0.00008; TOPMed 0.00008.
gnomAD v4.1: 31 of 1,612,770 alleles (0.0019%); highest among the groups gnomAD compares: East Asian, 0.011%; no homozygotes.

Submissions (2):

Labcorp Genetics (formerly Invitae), Labcorp
Classification: Uncertain significance. Last evaluated: 2026-01-27. Review status: criteria provided, single submitter. Criteria: Invitae Variant Classification Sherloc (09022015). Collection method: clinical testing. Allele origin: germline.
Comment: This sequence change replaces arginine, which is basic and polar, with cysteine, which is neutral and slightly polar, at codon 615 of the CRAT protein (p.Arg615Cys). This variant is present in population databases (rs143822726, gnomAD 0.03%). This variant has not been reported in the literature in individuals affected with CRAT-related conditions. ClinVar contains an entry for this variant (Variation ID: 2053331). Invitae Evidence Modeling of protein sequence and biophysical properties (such as structural, functional, and spatial information, amino acid conservation, physicochemical variation, residue mobility, and thermodynamic stability) indicates that this missense variant is not expected to disrupt CRAT protein function with a negative predictive value of 80%. In summary, the available evidence is currently insufficient to determine the role of this variant in disease. Therefore, it has been classified as a Variant of Uncertain Significance.

Ambry Genetics
Classification: Uncertain significance. Last evaluated: 2025-11-24. Review status: criteria provided, single submitter. Criteria: Ambry Variant Classification Scheme 2023. Collection method: clinical testing. Allele origin: germline.